The following is an entry in ClinVar:

NM_022725.4(FANCF):c.551G>C (p.Arg184Pro)

Gene: FANCF (FA complementation group F; minus strand). Cytogenetic location: 11p14.3.
Variant type: single nucleotide variant.
Coding change: c.551G>C on transcript NM_022725.4 (MANE Select); coding-DNA position 551, G replaced by C.
Protein change: p.Arg184Pro; replaces arginine 184 with proline.
Molecular consequence: missense variant.
Genome position (GRCh38, 1-based): chr11:22,625,260, C>G on the plus strand (G>C on the coding strand, the complement: FANCF is on the minus strand). VCF-style: chr11-22625260-C-G. GRCh37 (hg19) VCF-style: chr11-22646806-C-G.
Other names: short protein forms R184P.
Identifiers: ClinVar variation 2795226 (VCV002795226.3), dbSNP rs2133797463, ClinGen allele CA380058811.

ClinVar aggregate classification (germline): Uncertain significance (1 of 4 stars; one submission).

Conditions:
Fanconi anemia (FA). Also called: Fanconi's anemia. Identifiers: Orphanet 84, MedGen C0015625, MeSH D005199, MONDO:0019391.

Submission:

Labcorp Genetics (formerly Invitae), Labcorp
Classification: Uncertain significance for Fanconi anemia. Last evaluated: 2023-05-22. Review status: criteria provided, single submitter. Criteria: Invitae Variant Classification Sherloc (09022015). Collection method: clinical testing. Allele origin: germline.
Comment: In summary, the available evidence is currently insufficient to determine the role of this variant in disease. Therefore, it has been classified as a Variant of Uncertain Significance. Advanced modeling of protein sequence and biophysical properties (such as structural, functional, and spatial information, amino acid conservation, physicochemical variation, residue mobility, and thermodynamic stability) performed at Invitae indicates that this missense variant is not expected to disrupt FANCF protein function. This variant has not been reported in the literature in individuals affected with FANCF-related conditions. This variant is not present in population databases (gnomAD no frequency). This sequence change replaces arginine, which is basic and polar, with proline, which is neutral and non-polar, at codon 184 of the FANCF protein (p.Arg184Pro).